The following is an entry in ClinVar:

ClinVar aggregate classification (germline): Uncertain significance (1 of 4 stars; one submission).

Conditions:
Facioscapulohumeral muscular dystrophy 2 (FSHD2). Also called: FACIOSCAPULOHUMERAL MUSCULAR DYSTROPHY 2, DIGENIC; FSHD2, DIGENIC; MUSCULAR DYSTROPHY, FACIOSCAPULOHUMERAL, TYPE 1B. Identifiers: Orphanet 269, MedGen C1834671, MONDO:0008031, OMIM 158901.

Submission:

Labcorp Genetics (formerly Invitae), Labcorp
Classification: Uncertain significance for Facioscapulohumeral muscular dystrophy 2. Last evaluated: 2021-10-05. Review status: criteria provided, single submitter. Criteria: Invitae Variant Classification Sherloc (09022015). Collection method: clinical testing. Allele origin: germline.
Comment: This variant results in a copy number gain of the genomic region encompassing the full coding sequence of the SMCHD1 gene. The boundaries of this event are unknown as they extend beyond the assayed region for this gene and therefore may encompass additional genes. As the precise location of this event is unknown, it may be in tandem or it may be located elsewhere in the genome. This variant has not been reported in the literature in individuals with SMCHD1-related disease. In summary, the available evidence is currently insufficient to determine the role of this variant in disease. Therefore, it has been classified as a Variant of Uncertain Significance.

NC_000018.9:g.(?_2656075)_(2802550_?)dup

Gene: SMCHD1 (structural maintenance of chromosomes flexible hinge domain containing 1; plus strand). Cytogenetic location: 18p11.32.
Variant type: Duplication.
Identifiers: ClinVar variation 1411940 (VCV001411940.3).